The following is an entry in ClinVar:

ClinVar aggregate classification (germline): Uncertain significance (1 of 4 stars; one submission).

Conditions:
Arrhythmogenic right ventricular dysplasia 9 (ARVD9). Also called: Arrhythmogenic Right Ventricular Dysplasia/Cardiomyopathy 9; ARRHYTHMOGENIC RIGHT VENTRICULAR DYSPLASIA, FAMILIAL, 9. Identifiers: MedGen C1836906, MONDO:0012180, OMIM 609040.

Submission:

Labcorp Genetics (formerly Invitae), Labcorp
Classification: Uncertain significance for Arrhythmogenic right ventricular dysplasia 9. Last evaluated: 2022-12-23. Review status: criteria provided, single submitter. Criteria: Invitae Variant Classification Sherloc (09022015). Collection method: clinical testing. Allele origin: germline.
Comment: In summary, the available evidence is currently insufficient to determine the role of this variant in disease. Therefore, it has been classified as a Variant of Uncertain Significance. Algorithms developed to predict the effect of missense changes on protein structure and function (SIFT, PolyPhen-2, Align-GVGD) all suggest that this variant is likely to be tolerated. This variant has not been reported in the literature in individuals affected with PKP2-related conditions. This variant is not present in population databases (gnomAD no frequency). This sequence change replaces histidine, which is basic and polar, with arginine, which is basic and polar, at codon 163 of the PKP2 protein (p.His163Arg).

NM_001005242.3(PKP2):c.488A>G (p.His163Arg)

Gene: PKP2 (plakophilin 2; minus strand). Cytogenetic location: 12p11.21.
Variant type: single nucleotide variant.
Coding change: c.488A>G on transcript NM_001005242.3 (MANE Select); coding-DNA position 488, A replaced by G.
Protein change: p.His163Arg; replaces histidine 163 with arginine.
Molecular consequence: missense variant.
Genome position (GRCh38, 1-based): chr12:32,878,392, T>C on the plus strand (A>G on the coding strand, the complement: PKP2 is on the minus strand). VCF-style: chr12-32878392-T-C. GRCh37 (hg19) VCF-style: chr12-33031326-T-C.
Other names: c.488A>G, p.His163Arg (NM_001407155.1, NM_001407156.1, NM_001407157.1 and 2 more transcripts); c.161A>G, p.His54Arg (NM_001407158.1, NM_001407159.1, NM_001407160.1 and 1 more transcripts); short protein forms H54R, H163R.
Identifiers: ClinVar variation 2823408 (VCV002823408.3), dbSNP rs2541341821, ClinGen allele CA384365020.
Genomic context (GRCh38, chr12:32,878,392, plus strand): 5'-CTTTCTTGGTGGTGCAGGGTGTGCCCAGCCTGGCTTCTCTGGCTGTACTGGTAATCGCTG[T>C]GCGTGTAGTGAGCCCTCTCCGGGCTGCTGTCAGGAGAAATCTCCAGTCTCCTCAGAGGAT-3'
Protein context (NP_001005242.2, residues 153-173): DSSPERAHYT[His163Arg]SDYQYSQRSQ